The following is an entry in ClinVar:

ClinVar aggregate classification (germline): Pathogenic. Review status: criteria provided, multiple submitters, no conflicts (2 of 4 stars). 2 submissions from 2 submitters: Pathogenic (2). Last evaluated 2025-05-05.

Conditions:
Allan-Herndon-Dudley syndrome (AHDS). Also called: ALLAN-HERNDON SYNDROME; MENTAL RETARDATION AND MUSCULAR ATROPHY; T3 RESISTANCE; TRIIODOTHYRONINE RESISTANCE; Passos-Bueno syndrome. Identifiers: Orphanet 59, MedGen C0795889, MONDO:0010354, OMIM 300523.
Spastic paraplegia. Identifiers: MedGen C0037772, HP:0001258.

Submissions (2):

Labcorp Genetics (formerly Invitae), Labcorp
Classification: Pathogenic for Spastic paraplegia. Last evaluated: 2025-05-05. Review status: criteria provided, single submitter. Criteria: Invitae Variant Classification Sherloc (09022015). Collection method: clinical testing. Allele origin: germline.
Comment: This sequence change creates a premature translational stop signal (p.Glu9*) in the SLC16A2 gene. It is expected to result in an absent or disrupted protein product. Loss-of-function variants in SLC16A2 are known to be pathogenic (PMID: 20083155, 25527620). This variant is not present in population databases (gnomAD no frequency). This variant has not been reported in the literature in individuals affected with SLC16A2-related conditions. ClinVar contains an entry for this variant (Variation ID: 2706151). For these reasons, this variant has been classified as Pathogenic.

Women's Health and Genetics/Laboratory Corporation of America, LabCorp
Classification: Pathogenic for Allan-Herndon-Dudley syndrome. Last evaluated: 2024-02-07. Review status: criteria provided, single submitter. Criteria: LabCorp Variant Classification Summary - May 2015. Collection method: clinical testing. Allele origin: germline.
Comment: Variant summary: SLC16A2 c.25G>T (p.Glu9X) results in a premature termination codon, predicted to cause absence of the protein due to nonsense mediated decay, which is a commonly known mechanism for disease. The variant was absent in 1089400 control chromosomes (gnomAD v.4.0). c.25G>T has been reported in the literature in a hemizygous individual affected with Allan-Herndon-Dudley Syndrome (Kocaaga_2022). No submitters have cited clinical-significance assessments for this variant to ClinVar. Based on the evidence outlined above, the variant was classified as pathogenic.

Literature cited by the submitters: PubMed 20083155 (cited by Labcorp Genetics (formerly Invitae), Labcorp); PubMed 25527620 (cited by Labcorp Genetics (formerly Invitae), Labcorp).

NM_006517.5(SLC16A2):c.25G>T (p.Glu9Ter)

Gene: SLC16A2 (solute carrier family 16 member 2; plus strand). Cytogenetic location: Xq13.2.
Variant type: single nucleotide variant.
Coding change: c.25G>T on transcript NM_006517.5 (MANE Select); coding-DNA position 25, G replaced by T.
Protein change: p.Glu9Ter; replaces glutamic acid 9 with a stop codon.
Molecular consequence: nonsense.
Genome position (GRCh38, 1-based): chrX:74,421,662, G>T. VCF-style: chrX-74421662-G-T. GRCh37 (hg19) VCF-style: chrX-73641497-G-T.
Other names: short protein forms E9*.
Identifiers: ClinVar variation 2706151 (VCV002706151.5), dbSNP rs933036653, ClinGen allele CA413655605.